The following is an entry in ClinVar:

NM_006403.4(NEDD9):c.1899C>T (p.His633=)

Gene: NEDD9 (neural precursor cell expressed, developmentally down-regulated 9; minus strand). Cytogenetic location: 6p24.2.
Variant type: single nucleotide variant.
Coding change: c.1899C>T on transcript NM_006403.4 (MANE Select); coding-DNA position 1899, C replaced by T.
Protein change: p.His633=; no amino-acid change (histidine 633 retained).
Molecular consequence: synonymous variant. On other transcripts: non-coding transcript variant (1).
Genome position (GRCh38, 1-based): chr6:11,189,970, G>A on the plus strand (C>T on the coding strand, the complement: NEDD9 is on the minus strand). VCF-style: chr6-11189970-G-A. GRCh37 (hg19) VCF-style: chr6-11190203-G-A.
Other names: c.1899C>T, p.His633= (NM_001142393.2); c.1452C>T, p.His484= (NM_001271033.2).
Identifiers: ClinVar variation 710685 (VCV000710685.27), dbSNP rs146864079, ClinGen allele CA3635957.

ClinVar aggregate classification (germline): Benign/Likely benign. Review status: criteria provided, multiple submitters, no conflicts (2 of 4 stars). 2 submissions from 2 submitters: Benign (1); Likely benign (1). Last evaluated 2023-10-01.

Allele frequency attached by ClinVar (database versions not stated): 1000 Genomes Project 0.00060; 1000 Genomes Project 30x 0.00062; gnomAD 0.00128; gnomAD exomes 0.00129 and 0.00157; ESP Exome Variant Server 0.00154; TOPMed 0.00154; ExAC 0.00163.
gnomAD v4.1: 2,027 of 1,515,780 alleles (0.13%); highest among the groups gnomAD compares: Middle Eastern, 0.48%; 6 homozygotes.

Submissions (2):

CeGaT Center for Human Genetics Tuebingen
Classification: Likely benign. Last evaluated: 2023-10-01. Review status: criteria provided, single submitter. Criteria: CeGaT Center For Human Genetics Tuebingen Variant Classification Criteria Version 2. Collection method: clinical testing. Allele origin: germline. Affected: yes. Observed: 1 variant allele.
Comment: NEDD9: BP4, BP7

Labcorp Genetics (formerly Invitae), Labcorp
Classification: Benign. Last evaluated: 2018-04-07. Review status: criteria provided, single submitter. Criteria: Invitae Variant Classification Sherloc (09022015). Collection method: clinical testing. Allele origin: germline.